The following is an entry in ClinVar:

NM_001232.4(CASQ2):c.1136A>T (p.Asp379Val)

Gene: CASQ2 (calsequestrin 2; minus strand). Cytogenetic location: 1p13.1.
Variant type: single nucleotide variant.
Coding change: c.1136A>T on transcript NM_001232.4 (MANE Select); coding-DNA position 1136, A replaced by T.
Protein change: p.Asp379Val; replaces aspartic acid 379 with valine.
Molecular consequence: missense variant.
Genome position (GRCh38, 1-based): chr1:115,701,305, T>A on the plus strand (A>T on the coding strand, the complement: CASQ2 is on the minus strand). VCF-style: chr1-115701305-T-A. GRCh37 (hg19) VCF-style: chr1-116243926-T-A.
Other names: short protein forms D379V.
Identifiers: ClinVar variation 1034524 (VCV001034524.5), dbSNP rs940257382, ClinGen allele CA29605868.

ClinVar aggregate classification (germline): Uncertain significance. Review status: criteria provided, multiple submitters, no conflicts (2 of 4 stars). 3 submissions from 3 submitters: Uncertain significance (3). Last evaluated 2023-04-11.

Conditions:
Cardiomyopathy (CMYO). Also called: Cardiomyopathies. Identifiers: Orphanet 167848, MedGen C0878544, MONDO:0004994, HP:0001638. Inheritance: Various modes of inheritance.
Catecholaminergic polymorphic ventricular tachycardia 2. Also called: CASQ2-Related Catecholaminergic Polymorphic Ventricular Tachycardia; VENTRICULAR TACHYCARDIA, STRESS-INDUCED POLYMORPHIC 2. Identifiers: Orphanet 3286, MedGen C2677794, MONDO:0012762, OMIM 611938.
Catecholaminergic polymorphic ventricular tachycardia 1. Also called: RYR2-Related Catecholaminergic Polymorphic Ventricular Tachycardia; VENTRICULAR TACHYCARDIA, STRESS-INDUCED POLYMORPHIC 1; VENTRICULAR TACHYCARDIA, CATECHOLAMINERGIC POLYMORPHIC, 1, WITH OR WITHOUT ATRIAL DYSFUNCTION AND/OR DILATED CARDIOMYOPATHY. Identifiers: Orphanet 3286, MedGen C1631597, MONDO:0011484, OMIM 604772.

Allele frequency attached by ClinVar (database versions not stated): gnomAD exomes below 0.00001; TOPMed below 0.00001; gnomAD 0.00001.

Submissions (3):

Genome-Nilou Lab
Classification: Uncertain significance for Catecholaminergic polymorphic ventricular tachycardia 2. Last evaluated: 2023-04-11. Review status: criteria provided, single submitter. Criteria: ACMG Guidelines, 2015. Collection method: clinical testing. Allele origin: germline. Affected: no.

Labcorp Genetics (formerly Invitae), Labcorp
Classification: Uncertain significance for Catecholaminergic polymorphic ventricular tachycardia 1. Last evaluated: 2021-08-28. Review status: criteria provided, single submitter. Criteria: Invitae Variant Classification Sherloc (09022015). Collection method: clinical testing. Allele origin: germline.
Comment: This sequence change replaces aspartic acid with valine at codon 379 of the CASQ2 protein (p.Asp379Val). The aspartic acid residue is highly conserved and there is a large physicochemical difference between aspartic acid and valine. This variant is not present in population databases (ExAC no frequency). This variant has not been reported in the literature in individuals affected with CASQ2-related conditions. Algorithms developed to predict the effect of missense changes on protein structure and function are either unavailable or do not agree on the potential impact of this missense change (SIFT: "Deleterious"; PolyPhen-2: "Not Available"; Align-GVGD: "Class C15"). In summary, the available evidence is currently insufficient to determine the role of this variant in disease. Therefore, it has been classified as a Variant of Uncertain Significance.

CHEO Genetics Diagnostic Laboratory, Children's Hospital of Eastern Ontario
Classification: Uncertain significance for Cardiomyopathy. Last evaluated: 2021-04-13. Review status: criteria provided, single submitter. Criteria: ACMG Guidelines, 2015. Collection method: clinical testing. Allele origin: germline.